The following is an entry in ClinVar:

NM_001291867.2(NHS):c.2449G>C (p.Ala817Pro)

Gene: NHS (NHS actin remodeling regulator; plus strand). Cytogenetic location: Xp22.13.
Variant type: single nucleotide variant.
Coding change: c.2449G>C on transcript NM_001291867.2 (MANE Select); coding-DNA position 2449, G replaced by C.
Protein change: p.Ala817Pro; replaces alanine 817 with proline.
Molecular consequence: missense variant.
Genome position (GRCh38, 1-based): chrX:17,726,555, G>C. VCF-style: chrX-17726555-G-C. GRCh37 (hg19) VCF-style: chrX-17744675-G-C.
Other names: c.1918G>C, p.Ala640Pro (NM_001136024.4); c.1855G>C, p.Ala619Pro (NM_001291868.2); c.2386G>C, p.Ala796Pro (NM_198270.4); short protein forms A619P, A640P, A796P, A817P.
Identifiers: ClinVar variation 1703345 (VCV001703345.2), dbSNP rs901539768, ClinGen allele CA326967365.

ClinVar aggregate classification (germline): Uncertain significance (1 of 4 stars; one submission).

Submission:

GeneDx
Classification: Uncertain significance. Last evaluated: 2022-02-24. Review status: criteria provided, single submitter. Criteria: GeneDx Variant Classification Process June 2021. Collection method: clinical testing. Allele origin: germline. Affected: yes.
Comment: Not observed at significant frequency in large population cohorts (gnomAD); In silico analysis supports that this missense variant does not alter protein structure/function; Has not been previously published as pathogenic or benign to our knowledge